The following is an entry in ClinVar:

ClinVar aggregate classification (germline): Uncertain significance (1 of 4 stars; one submission).

Conditions:
CMIP-related disorder. Also called: CMIP-related condition.

Submission:

3billion
Classification: Uncertain significance for CMIP-related disorder. Last evaluated: 2025-12-31. Review status: criteria provided, single submitter. Criteria: ACMG Guidelines, 2015. Collection method: clinical testing. Allele origin: germline. Affected: yes.
Comment: The variant is not observed in the gnomAD v4.1.0 dataset. Predicted Consequence/Location: Stop-gained (nonsense): predicted to result in a loss or disruption of normal protein function through nonsense-mediated decay (NMD) or protein truncation. Therefore, this variant is classified as VUS according to the recommendation of ACMG/AMP guideline.

NM_198390.3(CMIP):c.445C>T (p.Arg149Ter)

Gene: CMIP (c-Maf inducing protein; plus strand). Cytogenetic location: 16q23.3.
Variant type: single nucleotide variant.
Coding change: c.445C>T on transcript NM_198390.3 (MANE Select); coding-DNA position 445, C replaced by T.
Protein change: p.Arg149Ter; replaces arginine 149 with a stop codon.
Molecular consequence: nonsense.
Genome position (GRCh38, 1-based): chr16:81,620,894, C>T. VCF-style: chr16-81620894-C-T. GRCh37 (hg19) VCF-style: chr16-81654499-C-T.
Other names: c.163C>T, p.Arg55Ter (NM_030629.3); short protein forms R149*, R55*.
Identifiers: ClinVar variation 4854622 (VCV004854622.1).